The following is an entry in ClinVar:

NM_000117.3(EMD):c.680_684del (p.Gly227fs)

Gene: EMD (emerin; plus strand). Cytogenetic location: Xq28.
Variant type: Deletion.
Coding change: c.680_684del on transcript NM_000117.3 (MANE Select); coding-DNA positions 680 to 684, 5 bases deleted (GCCAG; older notation c.680_684delGCCAG).
Protein change: p.Gly227fs; shifts the reading frame from glycine 227.
Molecular consequence: frameshift variant.
Genome position (GRCh38, 1-based): chrX:154,381,112-154,381,116, GCCAG deleted; deleting any 5 consecutive bases within chrX:154,381,111-154,381,116 gives the same sequence; the c. name uses the placement nearest the transcript's 3' end. VCF-style (leftmost placement, unchanged base first): chrX-154381110-GGGCCA-G. GRCh37 (hg19) VCF-style: chrX-153609470-GGGCCA-G.
Other names: short protein forms G227fs.
Identifiers: ClinVar variation 1513817 (VCV001513817.8), dbSNP rs2148128987, ClinGen allele CA2573159418.

ClinVar aggregate classification (germline): Uncertain significance (1 of 4 stars; one submission).

Conditions:
X-linked Emery-Dreifuss muscular dystrophy. Also called: Muscular dystrophy, tardive Emery-Dreifuss type, with contractures. Identifiers: Orphanet 261, Orphanet 98863, MedGen C0751337, MONDO:0010680.

Submission:

Labcorp Genetics (formerly Invitae), Labcorp
Classification: Uncertain significance for X-linked Emery-Dreifuss muscular dystrophy. Last evaluated: 2021-04-21. Review status: criteria provided, single submitter. Criteria: Invitae Variant Classification Sherloc (09022015). Collection method: clinical testing. Allele origin: germline.
Comment: This sequence change creates a premature translational stop signal (p.Gly227Alafs*21) in the EMD gene. While this is not anticipated to result in nonsense mediated decay, it is expected to disrupt the last 28 amino acid(s) of the EMD protein. In summary, the available evidence is currently insufficient to determine the role of this variant in disease. Therefore, it has been classified as a Variant of Uncertain Significance. This variant disrupts the C-terminus of the EMD protein. Other variant(s) that disrupt this region (p.Gln228*) have been observed in individuals with EMD-related conditions (PMID: 8595433). This suggests that this may be a clinically significant region of the protein. This variant has not been reported in the literature in individuals with EMD-related conditions. This variant is not present in population databases (ExAC no frequency).

Literature cited by the submitters: PubMed 8595433.